The following is an entry in ClinVar:

NM_001190274.2(FBXO11):c.1196C>T (p.Thr399Ile)

Gene: FBXO11 (F-box protein 11; minus strand). Cytogenetic location: 2p16.3.
Variant type: single nucleotide variant.
Coding change: c.1196C>T on transcript NM_001190274.2 (MANE Select); coding-DNA position 1196, C replaced by T.
Protein change: p.Thr399Ile; replaces threonine 399 with isoleucine.
Molecular consequence: missense variant.
Genome position (GRCh38, 1-based): chr2:47,832,636, G>A on the plus strand (C>T on the coding strand, the complement: FBXO11 is on the minus strand). VCF-style: chr2-47832636-G-A. GRCh37 (hg19) VCF-style: chr2-48059775-G-A.
Other names: c.944C>T, p.Thr315Ile (NM_001374325.1, NM_025133.4); short protein forms T399I, T315I.
Identifiers: ClinVar variation 2782661 (VCV002782661.3), dbSNP rs377222934, ClinGen allele CA1649900.

ClinVar aggregate classification (germline): Uncertain significance (1 of 4 stars; one submission).

Allele frequency attached by ClinVar (database versions not stated): TOPMed 0.00002; gnomAD 0.00003; ESP Exome Variant Server 0.00008.
gnomAD v4.1: 5 of 1,613,798 alleles (0.00031%); highest among the groups gnomAD compares: African/African-American, 0.0067%; no homozygotes.

Submission:

Labcorp Genetics (formerly Invitae), Labcorp
Classification: Uncertain significance. Last evaluated: 2025-10-01. Review status: criteria provided, single submitter. Criteria: Invitae Variant Classification Sherloc (09022015). Collection method: clinical testing. Allele origin: germline.
Comment: This sequence change replaces threonine, which is neutral and polar, with isoleucine, which is neutral and non-polar, at codon 399 of the FBXO11 protein (p.Thr399Ile). This variant is present in population databases (rs377222934, gnomAD 0.01%). This variant has not been reported in the literature in individuals affected with FBXO11-related conditions. ClinVar contains an entry for this variant (Variation ID: 2782661). An algorithm developed to predict the effect of missense changes on protein structure and function (PolyPhen-2) suggests that this variant is likely to be disruptive. In summary, the available evidence is currently insufficient to determine the role of this variant in disease. Therefore, it has been classified as a Variant of Uncertain Significance.